The following is an entry in ClinVar:

ClinVar aggregate classification (germline): Uncertain significance (1 of 4 stars; one submission).

Submission:

GeneDx
Classification: Uncertain significance. Last evaluated: 2025-08-06. Review status: criteria provided, single submitter. Criteria: GeneDx Variant Classification Process June 2021. Collection method: clinical testing. Allele origin: germline. Affected: yes.
Comment: Not observed at significant frequency in large population cohorts (gnomAD); In silico analysis supports that this missense variant has a deleterious effect on protein structure/function; Has not been previously published as pathogenic or benign to our knowledge

NM_001134363.3(RBM20):c.1673T>G (p.Phe558Cys)

Gene: RBM20 (RNA binding motif protein 20; plus strand). Cytogenetic location: 10q25.2.
Variant type: single nucleotide variant.
Coding change: c.1673T>G on transcript NM_001134363.3 (MANE Select); coding-DNA position 1673, T replaced by G.
Protein change: p.Phe558Cys; replaces phenylalanine 558 with cysteine.
Molecular consequence: missense variant.
Genome position (GRCh38, 1-based): chr10:110,799,791, T>G. VCF-style: chr10-110799791-T-G. GRCh37 (hg19) VCF-style: chr10-112559549-T-G.
Other names: short protein forms F558C.
Identifiers: ClinVar variation 4756079 (VCV004756079.1).